The following is an entry in ClinVar:

ClinVar aggregate classification (germline): Uncertain significance (0 of 4 stars; one submission).

Conditions:
SLC20A2-related disorder. Also called: SLC20A2-related condition.

Submission:

PreventionGenetics, part of Exact Sciences
Classification: Uncertain significance for SLC20A2-related condition. Last evaluated: 2024-04-05. Review status: no assertion criteria provided. Collection method: clinical testing. Allele origin: germline.
Comment: The SLC20A2 c.289+5G>C variant is predicted to interfere with splicing. This variant is predicted to impact splicing at the consensus splice site based on splicing prediction programs (SpliceAI, Jaganathan K, et al. 2019. PubMed ID: 30661751). To our knowledge, this variant has not been reported in the literature or in a large population database, indicating this variant is rare. Of note, another variant impacting the same nucleotide (c.289+5G>A) was reported in a patient with primary brain calcification (Ramos et al. 2018. PubMed ID: 29955172). At this time, the clinical significance of the c.289+5G>C variant is uncertain due to the absence of conclusive functional and genetic evidence.

NM_001257180.2(SLC20A2):c.289+5G>C

Gene: SLC20A2 (solute carrier family 20 member 2; minus strand). Cytogenetic location: 8p11.21.
Variant type: single nucleotide variant.
Coding change: c.289+5G>C on transcript NM_001257180.2 (MANE Select); 5 bases into the intron after coding-DNA position 289, G replaced by C.
Molecular consequence: intron variant.
Genome position (GRCh38, 1-based): chr8:42,472,097, C>G on the plus strand (G>C on the coding strand, the complement: SLC20A2 is on the minus strand). VCF-style: chr8-42472097-C-G. GRCh37 (hg19) VCF-style: chr8-42329615-C-G.
Other names: c.289+5G>C (NM_006749.5, NM_001257181.2).
Identifiers: ClinVar variation 3347016 (VCV003347016.1).